The following is an entry in ClinVar:

NM_007294.4(BRCA1):c.64_65del (p.Leu22fs)

Gene: BRCA1 (BRCA1 DNA repair associated; minus strand). Cytogenetic location: 17q21.31.
Variant type: Deletion.
Coding change: c.64_65del on transcript NM_007294.4 (MANE Select); coding-DNA positions 64 to 65, 2 bases deleted (TT; older notation c.64_65delTT).
Protein change: p.Leu22fs; shifts the reading frame from leucine 22.
Molecular consequence: frameshift variant. On other transcripts: 5 prime UTR variant (1), non-coding transcript variant (1).
Genome position (GRCh38, 1-based): chr17:43,124,032-43,124,033, AA deleted on the plus strand (TT on the coding strand, the reverse complement: BRCA1 is on the minus strand). VCF-style (leftmost placement, unchanged base first): chr17-43124031-TAA-T. GRCh37 (hg19) VCF-style: chr17-41276048-TAA-T.
Other names: c.-125_-124delTT (NM_001407571.1, NM_001407853.1, NM_001407879.1 and 46 more transcripts); c.64_65delTT, p.Leu22Argfs (NM_001407581.1, NM_001407582.1, NM_001407583.1 and 191 more transcripts); c.-194_-193delTT (NM_001407694.1, NM_001407724.1, NM_001407727.1 and 11 more transcripts); c.-198_-197delTT (NM_001407695.1, NM_001408465.1); c.-339_-338delTT (NM_001407696.1); c.-223_-222delTT (NM_001407697.1, NM_001407846.1, NM_001407920.1); c.-24_-23delTT (NM_001407698.1, NM_001407732.1, NM_001407736.1 and 22 more transcripts); c.-197_-196delTT (NM_001407725.1, NM_001407730.1, NM_001407734.1 and 22 more transcripts); and 10 more; short protein forms L22fs.
Identifiers: ClinVar variation 55653 (VCV000055653.3), dbSNP rs397509304, ClinGen allele CA003771.

ClinVar aggregate classification (germline): Pathogenic. Review status: reviewed by expert panel (3 of 4 stars). 2 submissions from 2 submitters: Pathogenic (1). 1 of the submissions does not count toward it. Last evaluated 2017-12-15.

Conditions:
Breast-ovarian cancer, familial, susceptibility to, 1 (BROVCA1). Also called: BRCA1 Hereditary Breast and Ovarian Cancer; OVARIAN CANCER, SUSCEPTIBILITY TO. Identifiers: Orphanet 145, MedGen C2676676, MONDO:0011450, OMIM 604370. Disease mechanism: loss of function.
Familial cancer of breast. Also called: hereditary breast carcinoma; BREAST CANCER, FAMILIAL; Hereditary breast cancer. Identifiers: Orphanet 227535, MedGen C0346153, MONDO:0016419, OMIM 114480. Disease mechanism: loss of function.

Submissions (2):

Evidence-based Network for the Interpretation of Germline Mutant Alleles (ENIGMA)
Classification: Pathogenic for Breast-ovarian cancer, familial, susceptibility to, 1. Last evaluated: 2017-12-15. Review status: reviewed by expert panel. Criteria: ENIGMA BRCA1/2 Classification Criteria (2017-06-29). Collection method: curation. Allele origin: germline. Study: ENIGMA.
Comment: Variant allele predicted to encode a truncated non-functional protein.

ClinVar Staff, National Center for Biotechnology Information (NCBI)
No classification provided. Condition: Familial cancer of breast. Review status: no classification provided. Collection method: literature only. Allele origin: germline. Affected: yes. Not counted in ClinVar's aggregate classification.

Literature cited by the submitters: PubMed 11873550 (cited by ClinVar Staff, National Center for Biotechnology Information (NCBI)).